The following is an entry in ClinVar:

ClinVar aggregate classification (germline): Pathogenic/Likely pathogenic. Review status: no assertion criteria provided (0 of 4 stars). 2 submissions from 2 submitters: Pathogenic (1); Likely pathogenic (1). Last evaluated 2020-02-28.

Conditions:
Fanconi anemia complementation group A (FANCA). Also called: FANCA-Related Fanconi Anemia; Fanconi anemia, group A. Identifiers: Orphanet 84, MedGen C3469521, MONDO:0009215, OMIM 227650.

Allele frequency attached by ClinVar (database versions not stated): TOPMed below 0.00001.

Submissions (2):

Leiden Open Variation Database
Classification: Pathogenic for Fanconi anemia complementation group A. Last evaluated: 2020-02-28. Review status: no assertion criteria provided. Collection method: curation. Allele origin: germline. Affected: yes.
Comment: Curator: Arleen D. Auerbach. Submitter to LOVD: Arleen D. Auerbach.

Counsyl
Classification: Likely pathogenic for Fanconi anemia complementation group A. Last evaluated: 2017-11-29. Review status: no assertion criteria provided. Collection method: clinical testing. Allele origin: unknown.

Literature cited by the submitters: PubMed 15643609 (cited by Counsyl).

NM_000135.4(FANCA):c.3592C>T (p.Gln1198Ter)

Gene: FANCA (FA complementation group A; minus strand). Cytogenetic location: 16q24.3.
Variant type: single nucleotide variant.
Coding change: c.3592C>T on transcript NM_000135.4 (MANE Select); coding-DNA position 3592, C replaced by T.
Protein change: p.Gln1198Ter; replaces glutamine 1198 with a stop codon.
Molecular consequence: nonsense.
Genome position (GRCh38, 1-based): chr16:89,744,993, G>A on the plus strand (C>T on the coding strand, the complement: FANCA is on the minus strand). VCF-style: chr16-89744993-G-A. GRCh37 (hg19) VCF-style: chr16-89811401-G-A.
Other names: c.3592C>T (LRG_495t1); c.3592C>T, p.Gln1198Ter (NM_001286167.3); short protein forms Q1198*.
Identifiers: ClinVar variation 555307 (VCV000555307.4), dbSNP rs1381684916, ClinGen allele CA397485642.
Genomic context (GRCh38, chr16:89,744,993, plus strand): 5'-CACCCCATCTCACCACCCACACGTACTCGCTGGCAAACTGCCGGCCTTCTTGTAGCTTCT[G>A]CAGTTCCCGGGGCAGCGGGCTCTGGCAGTGTCTCCTCCACCGGCAGAGCAGCACAGGCTC-3'